The following is an entry in ClinVar:

NM_002691.4(POLD1):c.946G>C (p.Asp316His)

Gene: POLD1 (DNA polymerase delta 1, catalytic subunit; plus strand). Cytogenetic location: 19q13.33.
Variant type: single nucleotide variant.
Coding change: c.946G>C on transcript NM_002691.4 (MANE Select); coding-DNA position 946, G replaced by C.
Protein change: p.Asp316His; replaces aspartic acid 316 with histidine.
Molecular consequence: missense variant. On other transcripts: non-coding transcript variant (1).
Genome position (GRCh38, 1-based): chr19:50,402,717, G>C. VCF-style: chr19-50402717-G-C. GRCh37 (hg19) VCF-style: chr19-50905974-G-C.
Other names: c.946G>C, p.Asp316His (NM_001256849.1, NM_001308632.1); short protein forms D316H.
Identifiers: ClinVar variation 1409819 (VCV001409819.8), dbSNP rs746087148, ClinGen allele CA9595961.

ClinVar aggregate classification (germline): Uncertain significance (1 of 4 stars; one submission).

Conditions:
POLD1-related polyposis and colorectal cancer syndrome (CRCS10). Also called: Colorectal cancer, susceptibility to, 10; Colorectal cancer 10; COLORECTAL CANCER, SUSCEPTIBILITY TO, ON CHROMOSOME 19q. Identifiers: Orphanet 220460, MedGen C2675481, MONDO:0012953, OMIM 612591.

Allele frequency attached by ClinVar (database versions not stated): ExAC 0.00001; gnomAD exomes below 0.00001.
gnomAD v4.1: 1 of 1,596,284 alleles (0.000063%); highest among the groups gnomAD compares: Non-Finnish European, 0.000086%; no homozygotes.

Submission:

Labcorp Genetics (formerly Invitae), Labcorp
Classification: Uncertain significance for POLD1-related polyposis and colorectal cancer syndrome. Last evaluated: 2023-05-02. Review status: criteria provided, single submitter. Criteria: Invitae Variant Classification Sherloc (09022015). Collection method: clinical testing. Allele origin: germline.
Comment: Experimental studies are conflicting or provide insufficient evidence to determine the effect of this variant on POLD1 function (PMID: 31750734). This sequence change replaces aspartic acid, which is acidic and polar, with histidine, which is basic and polar, at codon 316 of the POLD1 protein (p.Asp316His). This variant is present in population databases (rs746087148, gnomAD 0.0009%). This missense change has been observed in individual(s) with colorectal cancer (PMID: 26133394). ClinVar contains an entry for this variant (Variation ID: 1409819). Advanced modeling of protein sequence and biophysical properties (such as structural, functional, and spatial information, amino acid conservation, physicochemical variation, residue mobility, and thermodynamic stability) performed at Invitae indicates that this missense variant is expected to disrupt POLD1 protein function. In summary, the available evidence is currently insufficient to determine the role of this variant in disease. Therefore, it has been classified as a Variant of Uncertain Significance.

Literature cited by the submitters: PubMed 31750734; PubMed 26133394.